The following is an entry in ClinVar:

NM_020549.5(CHAT):c.1977+4C>T

Gene: CHAT (choline O-acetyltransferase; plus strand). Cytogenetic location: 10q11.23.
Variant type: single nucleotide variant.
Coding change: c.1977+4C>T on transcript NM_020549.5 (MANE Select); 4 bases into the intron after coding-DNA position 1977, C replaced by T.
Molecular consequence: intron variant.
Genome position (GRCh38, 1-based): chr10:49,662,786, C>T. VCF-style: chr10-49662786-C-T. GRCh37 (hg19) VCF-style: chr10-50870832-C-T.
Other names: c.1623+4C>T (NM_020984.4, NM_020985.4, NM_020986.4 and 2 more transcripts); c.1731+4C>T (NM_001142933.2).
Identifiers: ClinVar variation 642200 (VCV000642200.7), dbSNP rs200116201, ClinGen allele CA5497684.

ClinVar aggregate classification (germline): Uncertain significance. Review status: criteria provided, multiple submitters, no conflicts (2 of 4 stars). 2 submissions from 2 submitters: Uncertain significance (2). Last evaluated 2025-05-05.

Conditions:
Familial infantile myasthenia (CMS6). Also called: MYASTHENIC SYNDROME, CONGENITAL, 6, PRESYNAPTIC; MYASTHENIC SYNDROME, PRESYNAPTIC, CONGENITAL, ASSOCIATED WITH EPISODIC APNEA; Congenital myasthenic syndrome type 6. Identifiers: Orphanet 590, MedGen C0393929, MONDO:0009689, OMIM 254210.

Allele frequency attached by ClinVar (database versions not stated): gnomAD 0.00011; gnomAD exomes 0.00013 and 0.00014; TOPMed 0.00014; ESP Exome Variant Server 0.00015; 1000 Genomes Project 30x 0.00016; ExAC 0.00016; 1000 Genomes Project 0.00020.
gnomAD v4.1: 203 of 1,614,188 alleles (0.013%); highest among the groups gnomAD compares: Non-Finnish European, 0.016%; 1 homozygote.

Submissions (2):

Women's Health and Genetics/Laboratory Corporation of America, LabCorp
Classification: Uncertain significance. Last evaluated: 2025-05-05. Review status: criteria provided, single submitter. Criteria: LabCorp Variant Classification Summary - May 2015. Collection method: clinical testing. Allele origin: germline.
Comment: Variant summary: CHAT c.1977+4C>T alters a nucleotide located close to a canonical splice site and therefore could affect mRNA splicing, leading to a significantly altered protein sequence. Consensus agreement among computation tools predict no significant impact on normal splicing. However, these predictions have yet to be confirmed by functional studies. The variant allele was found at a frequency of 0.00014 in 251432 control chromosomes (gnomAD). This frequency is not significantly higher than estimated for a pathogenic variant in CHAT causing Congenital Myasthenic Syndrome (0.00014 vs 0.00079), allowing no conclusion about variant significance. To our knowledge, no occurrence of c.1977+4C>T in individuals affected with Congenital Myasthenic Syndrome and no experimental evidence demonstrating its impact on protein function have been reported. ClinVar contains an entry for this variant (Variation ID: 642200). Based on the evidence outlined above, the variant was classified as uncertain significance.

Labcorp Genetics (formerly Invitae), Labcorp
Classification: Uncertain significance for Familial infantile myasthenia. Last evaluated: 2022-07-19. Review status: criteria provided, single submitter. Criteria: Invitae Variant Classification Sherloc (09022015). Collection method: clinical testing. Allele origin: germline.
Comment: This sequence change falls in intron 14 of the CHAT gene. It does not directly change the encoded amino acid sequence of the CHAT protein. It affects a nucleotide within the consensus splice site. This variant is present in population databases (rs200116201, gnomAD 0.02%). This variant has not been reported in the literature in individuals affected with CHAT-related conditions. ClinVar contains an entry for this variant (Variation ID: 642200). Variants that disrupt the consensus splice site are a relatively common cause of aberrant splicing (PMID: 17576681, 9536098). Algorithms developed to predict the effect of sequence changes on RNA splicing suggest that this variant is not likely to affect RNA splicing. In summary, the available evidence is currently insufficient to determine the role of this variant in disease. Therefore, it has been classified as a Variant of Uncertain Significance.

Literature cited by the submitters: PubMed 17576681 (cited by Labcorp Genetics (formerly Invitae), Labcorp); PubMed 9536098 (cited by Labcorp Genetics (formerly Invitae), Labcorp).